The following is an entry in ClinVar:

NM_015202.5(KATNIP):c.2692G>A (p.Glu898Lys)

Gene: KATNIP (katanin interacting protein; plus strand). Cytogenetic location: 16p12.1.
Variant type: single nucleotide variant.
Coding change: c.2692G>A on transcript NM_015202.5 (MANE Select); coding-DNA position 2692, G replaced by A.
Protein change: p.Glu898Lys; replaces glutamic acid 898 with lysine.
Molecular consequence: missense variant.
Genome position (GRCh38, 1-based): chr16:27,749,652, G>A. VCF-style: chr16-27749652-G-A. GRCh37 (hg19) VCF-style: chr16-27760973-G-A.
Other names: short protein forms E898K.
Identifiers: ClinVar variation 3862518 (VCV003862518.2).

ClinVar aggregate classification (germline): Uncertain significance. Review status: criteria provided, multiple submitters, no conflicts (2 of 4 stars). 2 submissions from 2 submitters: Uncertain significance (2). Last evaluated 2026-01-14.

gnomAD v4.1: 93 of 1,602,368 alleles (0.0058%); highest among the groups gnomAD compares: South Asian, 0.038%; no homozygotes.

Submissions (2):

Labcorp Genetics (formerly Invitae), Labcorp
Classification: Uncertain significance. Last evaluated: 2026-01-14. Review status: criteria provided, single submitter. Criteria: Invitae Variant Classification Sherloc (09022015). Collection method: clinical testing. Allele origin: germline.
Comment: This sequence change replaces glutamic acid, which is acidic and polar, with lysine, which is basic and polar, at codon 898 of the KIAA0556 protein (p.Glu898Lys). This variant is present in population databases (rs376515834, gnomAD 0.03%). This variant has not been reported in the literature in individuals affected with KIAA0556-related conditions. ClinVar contains an entry for this variant (Variation ID: 3862518). An algorithm developed to predict the effect of missense changes on protein structure and function (PolyPhen-2) suggests that this variant is likely to be disruptive. In summary, the available evidence is currently insufficient to determine the role of this variant in disease. Therefore, it has been classified as a Variant of Uncertain Significance.

Ambry Genetics
Classification: Uncertain significance. Last evaluated: 2024-12-25. Review status: criteria provided, single submitter. Criteria: Ambry Variant Classification Scheme 2023. Collection method: clinical testing. Allele origin: germline.